The following is an entry in ClinVar:

NM_004993.6(ATXN3):c.892CAG[21] (p.Gln305_Gly306insGlnGlnGlnGlnGlnGlnGlnGlnGlnGlnGlnGlnGln)

Genes: ATXN3 (ataxin 3; minus strand), LOC108663987 (ataxin 3 repeat instability region; plus strand). Cytogenetic location: 14q32.12.
Variant type: Microsatellite.
Coding change: c.892CAG[21] on transcript NM_004993.6 (MANE Select); 21 copies in a row of the 3-base unit CAG starting at c.892.
Protein change: p.Gln305_Gly306insGlnGlnGlnGlnGlnGlnGlnGlnGlnGlnGlnGlnGln.
Molecular consequence: inframe insertion. On other transcripts: non-coding transcript variant (19).
Genome position: GRCh38, VCF-style position (the base before the change): chr14:92,071,010. GRCh37 (hg19), VCF-style position (the base before the change): chr14:92,537,354.
Other names: c.847CAG[21], p.Gln290_Gly291insGlnGlnGlnGlnGlnGlnGlnGlnGlnGlnGlnGlnGln (NM_001127696.2); c.739CAG[21], p.Gln254_Gly255insGlnGlnGlnGlnGlnGlnGlnGlnGlnGlnGlnGlnGln (NM_001127697.3); c.209CAG[21], p.Ala77_Gly78insAlaAlaAlaAlaAlaAlaAlaAlaAlaAlaAlaAlaAla (NM_001164774.2); c.254CAG[21], p.Ala92_Gly93insAlaAlaAlaAlaAlaAlaAlaAlaAlaAlaAlaAlaAla (NM_001164776.2); c.89CAG[21], p.Ala37_Gly38insAlaAlaAlaAlaAlaAlaAlaAlaAlaAlaAlaAlaAla (NM_001164777.2); c.407CAG[21], p.Ala143_Gly144insAlaAlaAlaAlaAlaAlaAlaAlaAlaAlaAlaAlaAla (NM_001164778.2); c.529CAG[21], p.Gln184_Gly185insGlnGlnGlnGlnGlnGlnGlnGlnGlnGlnGlnGlnGln (NM_001164779.2); c.355CAG[21], p.Gln126_Gly127insGlnGlnGlnGlnGlnGlnGlnGlnGlnGlnGlnGlnGln (NM_001164780.2); and 3 more.
Identifiers: ClinVar variation 1050021 (VCV001050021.3), dbSNP rs193922928, ClinGen allele CA645582569.
Genomic context (GRCh38, chr14:92,071,010, plus strand): 5'-GTGCTCCTGAACTGGTGGCTGGCCTTTCACATGGATGTGAACTCTGTCCTGATAGGTCCC[C>CCTGCTGCTGCTGCTGCTGCTGCTGCTGCTGCTGCTGCTG]CTGCTGCTGCTGCTGCTGCTGCTGTTGCTGCTTTTGCTGCTGTCTGAAACATTCAAAAGT-3'

ClinVar aggregate classification (germline): Benign/Likely benign. Review status: criteria provided, multiple submitters, no conflicts (2 of 4 stars). 3 submissions from 3 submitters: Benign (1); Likely benign (1). 1 of the submissions does not count toward it. Last evaluated 2025-02-16.

Submissions (3):

Laboratory of Genetics, Children's Clinical University Hospital Latvia
Classification: Benign. Last evaluated: 2025-02-16. Review status: criteria provided, single submitter. Criteria: ACMG Guidelines, 2015. Collection method: clinical testing. Allele origin: germline. Affected: yes.

Blueprint Genetics
Classification: Likely benign. Last evaluated: 2024-11-27. Review status: criteria provided, single submitter. Criteria: ACMG Guidelines, 2015. Collection method: clinical testing. Allele origin: germline.

Department of Pathology and Laboratory Medicine, Sinai Health System
Classification: Likely benign. Review status: no assertion criteria provided. Collection method: clinical testing. Allele origin: unknown. Affected: yes. Study: The Canadian Open Genetics Repository (COGR). Not counted in ClinVar's aggregate classification.
Comment: The ATXN3 p.Ala22_Gly23ins13 variant was identified in dbSNP (ID: rs763541221), ClinVar, Cosmic and LOVD 3.0. The variant was not identified in the following control databases: the 1000 Genomes Project, the NHLBI GO Exome Sequencing Project, the Exome Aggregation Consortium (August 8th 2016), or the Genome Aggregation Database (Feb 27, 2017). This variant is an in-frame insertion resulting in the inclusion of 13 CAG repeats. The (CAG)n repeat within the ATXN3 gene was found to cause Machado-Joseph disease at 73-78 repeats while 14-40 repeats was considered the normal range (Limprasert_1996_PMID: 8824876). More recent studies have suggested 52 to 86 repeats as pathogenic (GeneReviews). This CAG repeat expansion would fall within the normal range and this variant is predicted to be a polymorphism by MutationTaster. In summary, based on the above information the clinical significance of this variant cannot be determined with certainty at this time although we would lean towards a more benign role for this variant. This variant is classified as likely benign.